The following is an entry in ClinVar:

NM_004168.4(SDHA):c.770+2T>A

Gene: SDHA (succinate dehydrogenase complex flavoprotein subunit A; plus strand). Cytogenetic location: 5p15.33.
Variant type: single nucleotide variant.
Coding change: c.770+2T>A on transcript NM_004168.4 (MANE Select); the canonical splice donor site of the intron after coding-DNA position 770, T replaced by A.
Molecular consequence: splice donor variant.
Genome position (GRCh38, 1-based): chr5:228,335, T>A. VCF-style: chr5-228335-T-A. GRCh37 (hg19) VCF-style: chr5-228450-T-A.
Other names: c.770+2T>A (NM_001330758.2); c.626+2T>A (NM_001294332.2).
Identifiers: ClinVar variation 3223756 (VCV003223756.3), dbSNP rs2477317908, ClinGen allele CA359011274.

ClinVar aggregate classification (germline): Likely pathogenic. Review status: criteria provided, multiple submitters, no conflicts (2 of 4 stars). 2 submissions from 2 submitters: Likely pathogenic (2). Last evaluated 2025-02-19.

Conditions:
Mitochondrial complex II deficiency, nuclear type 1. Also called: SUCCINATE CoQ REDUCTASE DEFICIENCY. Identifiers: Orphanet 3208, MedGen C5700310, MONDO:0100294, OMIM 252011.
Pheochromocytoma/paraganglioma syndrome 5. Also called: Paragangliomas 5; SDHA-Related Hereditary Paraganglioma-Pheochromocytoma Syndrome. Identifiers: Orphanet 29072, MedGen C3279992, MONDO:0013602, OMIM 614165.
Hereditary cancer-predisposing syndrome. Also called: Tumor predisposition; Hereditary Cancer Syndrome; Neoplastic Syndromes, Hereditary; Hereditary neoplastic syndrome. Identifiers: Orphanet 140162, MedGen C0027672, MeSH D009386, MONDO:0015356.

Allele frequency attached by ClinVar (database versions not stated): gnomAD exomes below 0.00001.
gnomAD v4.1: 2 of 1,613,488 alleles (0.00012%); highest among the groups gnomAD compares: Non-Finnish European, 0.00017%; no homozygotes.

Submissions (2):

Labcorp Genetics (formerly Invitae), Labcorp
Classification: Likely pathogenic for Pheochromocytoma/paraganglioma syndrome 5; Mitochondrial complex II deficiency, nuclear type 1. Last evaluated: 2025-02-19. Review status: criteria provided, single submitter. Criteria: Invitae Variant Classification Sherloc (09022015). Collection method: clinical testing. Allele origin: germline.
Comment: This sequence change affects a donor splice site in intron 6 of the SDHA gene. It is expected to disrupt RNA splicing. Variants that disrupt the donor or acceptor splice site typically lead to a loss of protein function (PMID: 16199547), and loss-of-function variants in SDHA are known to be pathogenic (PMID: 22974104, 24781757). This variant is not present in population databases (gnomAD no frequency). This variant has not been reported in the literature in individuals affected with SDHA-related conditions. ClinVar contains an entry for this variant (Variation ID: 3223756). Algorithms developed to predict the effect of sequence changes on RNA splicing suggest that this variant may disrupt the consensus splice site. In summary, the currently available evidence indicates that the variant is pathogenic, but additional data are needed to prove that conclusively. Therefore, this variant has been classified as Likely Pathogenic.

Ambry Genetics
Classification: Likely pathogenic for Hereditary cancer-predisposing syndrome. Last evaluated: 2024-01-17. Review status: criteria provided, single submitter. Criteria: Ambry Variant Classification Scheme 2023. Collection method: clinical testing. Allele origin: germline.
Comment: The c.770+2T>A intronic variant results from a T to A substitution two nucleotides after coding exon 6 in the SDHA gene. This variant is considered to be rare based on population cohorts in the Genome Aggregation Database (gnomAD). This nucleotide position is highly conserved in available vertebrate species. In silico splice site analysis predicts that this alteration will weaken the native splice donor site. Alterations that disrupt the canonical splice site are expected to cause aberrant splicing, resulting in an abnormal protein or a transcript that is subject to nonsense-mediated mRNA decay. As such, this alteration is classified as likely pathogenic.

Literature cited by the submitters: PubMed 16199547 (cited by Labcorp Genetics (formerly Invitae), Labcorp); PubMed 22974104 (cited by Labcorp Genetics (formerly Invitae), Labcorp); PubMed 24781757 (cited by Labcorp Genetics (formerly Invitae), Labcorp).